The following is an entry in ClinVar:

ClinVar aggregate classification (germline): Uncertain significance. Review status: criteria provided, multiple submitters, no conflicts (2 of 4 stars). 5 submissions from 5 submitters: Uncertain significance (4). 1 of the submissions does not count toward it. Last evaluated 2026-05-13.

Conditions:
FIG4-related disorder. Also called: FIG4-related condition; FIG4-related disorders.
Charcot-Marie-Tooth disease. Also called: Charcot-Marie-Tooth Neuropathy; Charcot-Marie-Tooth Hereditary Neuropathy. Identifiers: Orphanet 166, MedGen C0007959, MONDO:0015626.
Charcot-Marie-Tooth disease type 4. Also called: Charcot-Marie-Tooth disease, type IV; Charcot-Marie-Tooth, Type 4. Identifiers: Orphanet 64749, MedGen C4082197, MONDO:0018995.
Charcot-Marie-Tooth disease type 4J (CMT4J). Also called: CHARCOT-MARIE-TOOTH DISEASE, AUTOSOMAL RECESSIVE, TYPE 4J; Charcot-Marie-Tooth Neuropathy Type 4J; CHARCOT-MARIE-TOOTH DISEASE, DEMYELINATING, TYPE 4J. Identifiers: Orphanet 139515, MedGen C1970011, MONDO:0012640, OMIM 611228.

Allele frequency attached by ClinVar (database versions not stated): TOPMed below 0.00001; ExAC 0.00001; gnomAD exomes 0.00001; gnomAD 0.00003 and 0.00004.
gnomAD v4.1: 25 of 1,572,028 alleles (0.0016%); highest among the groups gnomAD compares: Non-Finnish European, 0.0022%; no homozygotes.

Submissions (5):

PreventionGenetics, part of Exact Sciences
Classification: Uncertain significance for FIG4-related condition. Last evaluated: 2026-05-13. Review status: criteria provided, single submitter. Criteria: ACMG Guidelines, 2015. Collection method: clinical testing. Allele origin: germline.
Comment: The FIG4 c.2460-8A>G variant is predicted to interfere with splicing. However, the use of computer prediction programs is not equivalent to functional evidence. To our knowledge, this variant has not been reported in the literature. This variant is reported in 0.0070% of alleles in individuals of European (non-Finnish) descent in gnomAD. At this time, the clinical significance of this variant is uncertain due to the absence of conclusive functional and genetic evidence.

Labcorp Genetics (formerly Invitae), Labcorp
Classification: Uncertain significance for Charcot-Marie-Tooth disease type 4. Last evaluated: 2022-08-03. Review status: criteria provided, single submitter. Criteria: Invitae Variant Classification Sherloc (09022015). Collection method: clinical testing. Allele origin: germline.
Comment: This sequence change falls in intron 21 of the FIG4 gene. It does not directly change the encoded amino acid sequence of the FIG4 protein. This variant is present in population databases (rs201965891, gnomAD 0.006%). This variant has not been reported in the literature in individuals affected with FIG4-related conditions. ClinVar contains an entry for this variant (Variation ID: 476860). Algorithms developed to predict the effect of sequence changes on RNA splicing suggest that this variant may disrupt the consensus splice site. In summary, the available evidence is currently insufficient to determine the role of this variant in disease. Therefore, it has been classified as a Variant of Uncertain Significance.

Baylor Genetics
Classification: Uncertain significance for Charcot-Marie-Tooth disease type 4J. Last evaluated: 2022-04-17. Review status: criteria provided, single submitter. Criteria: ACMG Guidelines, 2015. Collection method: clinical testing. Allele origin: unknown.

Athena Diagnostics
Classification: Uncertain significance. Last evaluated: 2018-03-26. Review status: criteria provided, single submitter. Criteria: Athena Diagnostics Criteria. Collection method: clinical testing. Allele origin: germline.

Genesis Genome Database
Classification: Uncertain significance for Charcot-Marie-Tooth disease. Last evaluated: 2019-08-14. Review status: no assertion criteria provided. Collection method: research. Allele origin: germline. Affected: yes. Not counted in ClinVar's aggregate classification.

NM_014845.6(FIG4):c.2460-8A>G

Gene: FIG4 (FIG4 phosphoinositide 5-phosphatase; plus strand). Cytogenetic location: 6q21.
Variant type: single nucleotide variant.
Coding change: c.2460-8A>G on transcript NM_014845.6 (MANE Select); 8 bases into the intron before coding-DNA position 2460, A replaced by G.
Molecular consequence: intron variant.
Genome position (GRCh38, 1-based): chr6:109,796,757, A>G. VCF-style: chr6-109796757-A-G. GRCh37 (hg19) VCF-style: chr6-110117960-A-G.
Identifiers: ClinVar variation 476860 (VCV000476860.9), dbSNP rs201965891, ClinGen allele CA3956423.